The following is an entry in ClinVar:

ClinVar aggregate classification (germline): Uncertain significance (1 of 4 stars; one submission).

Submission:

Labcorp Genetics (formerly Invitae), Labcorp
Classification: Uncertain significance. Last evaluated: 2024-01-18. Review status: criteria provided, single submitter. Criteria: Invitae Variant Classification Sherloc (09022015). Collection method: clinical testing. Allele origin: germline.
Comment: This sequence change replaces aspartic acid, which is acidic and polar, with glutamic acid, which is acidic and polar, at codon 639 of the COL9A2 protein (p.Asp639Glu). This variant is not present in population databases (gnomAD no frequency). This variant has not been reported in the literature in individuals affected with COL9A2-related conditions. Advanced modeling of protein sequence and biophysical properties (such as structural, functional, and spatial information, amino acid conservation, physicochemical variation, residue mobility, and thermodynamic stability) performed at Invitae indicates that this missense variant is not expected to disrupt COL9A2 protein function with a negative predictive value of 95%. In summary, the available evidence is currently insufficient to determine the role of this variant in disease. Therefore, it has been classified as a Variant of Uncertain Significance.

NM_001852.4(COL9A2):c.1917T>G (p.Asp639Glu)

Gene: COL9A2 (collagen type IX alpha 2 chain; minus strand). Cytogenetic location: 1p34.2.
Variant type: single nucleotide variant.
Coding change: c.1917T>G on transcript NM_001852.4 (MANE Select); coding-DNA position 1917, T replaced by G.
Protein change: p.Asp639Glu; replaces aspartic acid 639 with glutamic acid.
Molecular consequence: missense variant.
Genome position (GRCh38, 1-based): chr1:40,301,335, A>C on the plus strand (T>G on the coding strand, the complement: COL9A2 is on the minus strand). VCF-style: chr1-40301335-A-C. GRCh37 (hg19) VCF-style: chr1-40767007-A-C.
Other names: short protein forms D639E.
Identifiers: ClinVar variation 2769967 (VCV002769967.3), dbSNP rs2522467621, ClinGen allele CA339874221.